The following is an entry in ClinVar:

ClinVar aggregate classification (germline): Uncertain significance. Review status: criteria provided, multiple submitters, no conflicts (2 of 4 stars). 5 submissions from 5 submitters: Uncertain significance (5). Last evaluated 2025-11-24.

Conditions:
Malignant hyperthermia, susceptibility to, 1 (MHS1). Also called: RYR1-Related Malignant Hyperthermia Susceptibility; Anesthesia related hyperthermia; Malignant hyperpyrexia; Fulminating hyperpyrexia; Pharmacogenic myopathy; Malignant hyperthermia suceptibility 1. Identifiers: Orphanet 423, MedGen C2930980, MONDO:0007783, OMIM 145600.
RYR1-related disorder. Also called: RYR1-related condition; RYR1-related disorders. Identifiers: MedGen CN239331.
Congenital multicore myopathy with external ophthalmoplegia (CMYO1B). Also called: MULTIMINICORE DISEASE WITH EXTERNAL OPHTHALMOPLEGIA; Congenital myopathy 1B, autosomal recessive; Minicore myopathy; Minicore myopathy with external ophthalmoplegia; MULTICORE MYOPATHY. Identifiers: Orphanet 598, Orphanet 98905, MedGen C1850674, MONDO:0009712, OMIM 255320, HP:0003789.
Congenital myopathy with fiber type disproportion. Also called: Congenital fiber-type disproportion; Congenital fiber-type disproportion myopathy. Identifiers: Orphanet 2020, MedGen C0546264, MONDO:0009711. Inheritance: all.
Central core myopathy (CMYO1A). Also called: CONGENITAL MYOPATHY 1A, AUTOSOMAL DOMINANT, WITH SUSCEPTIBILITY TO MALIGNANT HYPERTHERMIA; Central core disease; Myopathy, central fibrillar. Identifiers: Orphanet 597, MedGen C5830701, MONDO:0007294, OMIM 117000.
King Denborough syndrome (KDS). Identifiers: MedGen C1840365, MONDO:0020485, OMIM 619542.
Inborn genetic diseases. Identifiers: MedGen C0950123, MeSH D030342.

Allele frequency attached by ClinVar (database versions not stated): gnomAD 0.00002 and 0.00003; gnomAD exomes 0.00003 and 0.00006; TOPMed 0.00003; ExAC 0.00004; 1000 Genomes Project 0.00020; ESP Exome Variant Server 0.00023; 1000 Genomes Project 30x 0.00031.
gnomAD v4.1: 97 of 1,608,274 alleles (0.006%); highest among the groups gnomAD compares: Non-Finnish European, 0.0075%; no homozygotes.

Submissions (5):

Ambry Genetics
Classification: Uncertain significance for Inborn genetic diseases. Last evaluated: 2025-11-24. Review status: criteria provided, single submitter. Criteria: Ambry Variant Classification Scheme 2023. Collection method: clinical testing. Allele origin: germline.

Labcorp Genetics (formerly Invitae), Labcorp
Classification: Uncertain significance for RYR1-related disorder. Last evaluated: 2024-12-25. Review status: criteria provided, single submitter. Criteria: Invitae Variant Classification Sherloc (09022015). Collection method: clinical testing. Allele origin: germline.
Comment: This sequence change replaces threonine, which is neutral and polar, with serine, which is neutral and polar, at codon 2544 of the RYR1 protein (p.Thr2544Ser). This variant is present in population databases (rs146326299, gnomAD 0.007%). This missense change has been observed in individual(s) with Hypotonia, muscle weakness, and developmental delay since infancy (internal data). ClinVar contains an entry for this variant (Variation ID: 962225). Invitae Evidence Modeling of protein sequence and biophysical properties (such as structural, functional, and spatial information, amino acid conservation, physicochemical variation, residue mobility, and thermodynamic stability) indicates that this missense variant is not expected to disrupt RYR1 protein function with a negative predictive value of 80%. In summary, the available evidence is currently insufficient to determine the role of this variant in disease. Therefore, it has been classified as a Variant of Uncertain Significance.

All of Us Research Program, National Institutes of Health
Classification: Uncertain significance for Malignant hyperthermia, susceptibility to, 1. Last evaluated: 2024-09-23. Review status: criteria provided, single submitter. Criteria: ACMG Guidelines, 2015. Collection method: clinical testing. Allele origin: germline. Inheritance: Autosomal dominant inheritance. Observed: 16 variant alleles, 16 heterozygotes.
Comment: This missense variant replaces threonine with serine at codon 2544 of the RYR1 protein. Computational prediction suggests that this variant may not impact protein structure and function (internally defined REVEL score threshold <= 0.5, PMID: 27666373). To our knowledge, functional studies have not been reported for this variant. This variant has not been reported in individuals affected with malignant hyperthermia susceptibility, although it has been reported in an individual affected with a different condition (ClinVar: SCV001408752.4). This variant has been identified in 7/246000 chromosomes in the general population by the Genome Aggregation Database (gnomAD). The available evidence is insufficient to determine the role of this variant in disease conclusively. Therefore, this variant is classified as a Variant of Uncertain Significance.

This study involves interpretation of variants in research participants for the purpose of population health screening. Participant phenotype was not available at the time of variant classification. Additional details can be found in publication PMID: 35346344, PMCID: PMC8962531

Color Diagnostics, LLC DBA Color Health
Classification: Uncertain significance for Malignant hyperthermia, susceptibility to, 1. Last evaluated: 2024-02-20. Review status: criteria provided, single submitter. Criteria: ACMG Guidelines, 2015. Collection method: clinical testing. Allele origin: germline.
Comment: This missense variant replaces threonine with serine at codon 2544 of the RYR1 protein. Computational prediction suggests that this variant may not impact protein structure and function. To our knowledge, functional studies have not been reported for this variant. This variant has not been reported in individuals affected with malignant hyperthermia susceptibility. This variant has been identified in 7/246000 chromosomes in the general population by the Genome Aggregation Database (gnomAD). The available evidence is insufficient to determine the role of this variant in autosomal dominant malignant hyperthermia susceptibility conclusively. Therefore, this variant is classified as a Variant of Uncertain Significance.

Fulgent Genetics
Classification: Uncertain significance for Central core myopathy; Malignant hyperthermia, susceptibility to, 1; Congenital myopathy 4A, autosomal dominant; Congenital multicore myopathy with external ophthalmoplegia; King Denborough syndrome. Last evaluated: 2022-04-19. Review status: criteria provided, single submitter. Criteria: ACMG Guidelines, 2015. Collection method: clinical testing. Allele origin: unknown.

NM_000540.3(RYR1):c.7631C>G (p.Thr2544Ser)

Gene: RYR1 (ryanodine receptor 1; plus strand). Cytogenetic location: 19q13.2.
Variant type: single nucleotide variant.
Coding change: c.7631C>G on transcript NM_000540.3 (MANE Select); coding-DNA position 7631, C replaced by G.
Protein change: p.Thr2544Ser; replaces threonine 2544 with serine.
Molecular consequence: missense variant.
Genome position (GRCh38, 1-based): chr19:38,502,523, C>G. VCF-style: chr19-38502523-C-G. GRCh37 (hg19) VCF-style: chr19-38993163-C-G.
Other names: c.7631C>G, p.Thr2544Ser (NM_001042723.2); short protein forms T2544S.
Identifiers: ClinVar variation 962225 (VCV000962225.13), dbSNP rs146326299, ClinGen allele CA069888.